The following is an entry in ClinVar:

NM_000368.5(TSC1):c.3147G>C (p.Glu1049Asp)

Gene: TSC1 (TSC complex subunit 1; minus strand). Cytogenetic location: 9q34.13.
Variant type: single nucleotide variant.
Coding change: c.3147G>C on transcript NM_000368.5 (MANE Select); coding-DNA position 3147, G replaced by C.
Protein change: p.Glu1049Asp; replaces glutamic acid 1049 with aspartic acid.
Molecular consequence: missense variant.
Genome position (GRCh38, 1-based): chr9:132,896,583, C>G on the plus strand (G>C on the coding strand, the complement: TSC1 is on the minus strand). VCF-style: chr9-132896583-C-G. GRCh37 (hg19) VCF-style: chr9-135771970-C-G.
Other names: c.3144G>C, p.Glu1048Asp (NM_001162426.2); c.2994G>C, p.Glu998Asp (NM_001162427.2); c.2784G>C, p.Glu928Asp (NM_001362177.2); short protein forms E1049D, E1048D, E998D, E928D.
Identifiers: ClinVar variation 64779 (VCV000064779.12), dbSNP rs397514831, ClinGen allele CA007200.
Genomic context (GRCh38, chr9:132,896,583, plus strand): 5'-TTCTCCCATAGTCGTCTCCCACCGACTGCTGAATGGGCCTGCCCTCTGGTGTGGGGGTTT[C>G]TCTGGGGTAGAAAGCTCGCTGCTGCTGCTGCTGCTGCCTCCACCACCTCTGCTTCCACTA-3'
Protein context (NP_000359.1, residues 1039-1059): SSSSSELSTP[Glu1049Asp]KPPHQRAGPF

ClinVar aggregate classification (germline): Uncertain significance. Review status: criteria provided, multiple submitters, no conflicts (2 of 4 stars). 3 submissions from 3 submitters: Uncertain significance (2). 1 of the submissions does not count toward it. Last evaluated 2025-03-04.

Conditions:
Hereditary cancer-predisposing syndrome. Also called: Tumor predisposition; Hereditary Cancer Syndrome; Neoplastic Syndromes, Hereditary; Hereditary neoplastic syndrome. Identifiers: Orphanet 140162, MedGen C0027672, MeSH D009386, MONDO:0015356.
Tuberous sclerosis 1 (TSC1). Identifiers: Orphanet 805, MedGen C1854465, MONDO:0008612, OMIM 191100.
Tuberous sclerosis syndrome (TSC). Also called: Tuberous Sclerosis Complex; Tuberous sclerosis. Identifiers: Orphanet 805, MedGen C0041341, MONDO:0001734.

Allele frequency attached by ClinVar (database versions not stated): gnomAD exomes 0.00001.
gnomAD v4.1: 7 of 1,613,998 alleles (0.00043%); highest among the groups gnomAD compares: Non-Finnish European, 0.00059%; no homozygotes.

Submissions (3):

Labcorp Genetics (formerly Invitae), Labcorp
Classification: Uncertain significance for Tuberous sclerosis 1. Last evaluated: 2025-03-04. Review status: criteria provided, single submitter. Criteria: Invitae Variant Classification Sherloc (09022015). Collection method: clinical testing. Allele origin: germline.
Comment: This sequence change replaces glutamic acid, which is acidic and polar, with aspartic acid, which is acidic and polar, at codon 1049 of the TSC1 protein (p.Glu1049Asp). This variant is not present in population databases (gnomAD no frequency). This missense change has been observed in individual(s) with clinical features of TSC1-related conditions (PMID: 21520333). ClinVar contains an entry for this variant (Variation ID: 64779). Invitae Evidence Modeling of protein sequence and biophysical properties (such as structural, functional, and spatial information, amino acid conservation, physicochemical variation, residue mobility, and thermodynamic stability) indicates that this missense variant is not expected to disrupt TSC1 protein function with a negative predictive value of 95%. In summary, the available evidence is currently insufficient to determine the role of this variant in disease. Therefore, it has been classified as a Variant of Uncertain Significance.

Ambry Genetics
Classification: Uncertain significance for Hereditary cancer-predisposing syndrome. Last evaluated: 2021-12-30. Review status: criteria provided, single submitter. Criteria: Ambry Variant Classification Scheme 2023. Collection method: clinical testing. Allele origin: germline.
Comment: The p.E1049D variant (also known as c.3147G>C), located in coding exon 21 of the TSC1 gene, results from a G to C substitution at nucleotide position 3147. The glutamic acid at codon 1049 is replaced by aspartic acid, an amino acid with highly similar properties. This amino acid position is highly conserved in available vertebrate species. In addition, the in silico prediction for this alteration is inconclusive. Since supporting evidence is limited at this time, the clinical significance of this alteration remains unclear.

Tuberous sclerosis database (TSC1)
No classification provided. Condition: TSC. Review status: no classification provided. Criteria: Tuberous Sclerosis Database Assertion Criteria 2015. Collection method: curation. Allele origin: germline. Affected: yes. Not counted in ClinVar's aggregate classification.

Literature cited by the submitters: PubMed 21520333 (cited by Labcorp Genetics (formerly Invitae), Labcorp).